The following is an entry in ClinVar:

NM_004260.4(RECQL4):c.610G>C (p.Ala204Pro)

Gene: RECQL4 (RecQ like helicase 4; minus strand). Cytogenetic location: 8q24.3.
Variant type: single nucleotide variant.
Coding change: c.610G>C on transcript NM_004260.4 (MANE Select); coding-DNA position 610, G replaced by C.
Protein change: p.Ala204Pro; replaces alanine 204 with proline.
Molecular consequence: missense variant.
Genome position (GRCh38, 1-based): chr8:144,516,509, C>G on the plus strand (G>C on the coding strand, the complement: RECQL4 is on the minus strand). VCF-style: chr8-144516509-C-G. GRCh37 (hg19) VCF-style: chr8-145741893-C-G.
Other names: short protein forms A204P.
Identifiers: ClinVar variation 969664 (VCV000969664.5), dbSNP rs879075324, ClinGen allele CA372690093.

ClinVar aggregate classification (germline): Uncertain significance (1 of 4 stars; one submission).

Conditions:
Baller-Gerold syndrome (BGS). Also called: CRANIOSYNOSTOSIS WITH RADIAL DEFECTS. Identifiers: Orphanet 1225, MedGen C0265308, MONDO:0009039, OMIM 218600.

Submission:

Labcorp Genetics (formerly Invitae), Labcorp
Classification: Uncertain significance for Baller-Gerold syndrome. Last evaluated: 2024-11-19. Review status: criteria provided, single submitter. Criteria: Invitae Variant Classification Sherloc (09022015). Collection method: clinical testing. Allele origin: germline.
Comment: This sequence change replaces alanine, which is neutral and non-polar, with proline, which is neutral and non-polar, at codon 204 of the RECQL4 protein (p.Ala204Pro). This variant is not present in population databases (gnomAD no frequency). This variant has not been reported in the literature in individuals affected with RECQL4-related conditions. ClinVar contains an entry for this variant (Variation ID: 969664). Invitae Evidence Modeling of protein sequence and biophysical properties (such as structural, functional, and spatial information, amino acid conservation, physicochemical variation, residue mobility, and thermodynamic stability) indicates that this missense variant is not expected to disrupt RECQL4 protein function with a negative predictive value of 80%. In summary, the available evidence is currently insufficient to determine the role of this variant in disease. Therefore, it has been classified as a Variant of Uncertain Significance.